The following is an entry in ClinVar:

ClinVar aggregate classification (germline): Uncertain significance (1 of 4 stars; one submission).

Conditions:
PREX1-related disorder. Also called: PREX1-related condition.

Submission:

PreventionGenetics, part of Exact Sciences
Classification: Uncertain significance for PREX1-related condition. Last evaluated: 2025-12-01. Review status: criteria provided, single submitter. Criteria: ACMG Guidelines, 2015. Collection method: clinical testing. Allele origin: germline.
Comment: The PREX1 c.2773A>G variant is predicted to result in the amino acid substitution p.Thr925Ala. To our knowledge, this variant has not been reported in the literature or in a large population database (gnomAD), indicating this variant is rare. At this time, the clinical significance of this variant is uncertain due to the absence of conclusive functional and genetic evidence.

NM_020820.4(PREX1):c.2773A>G (p.Thr925Ala)

Gene: PREX1 (phosphatidylinositol-3,4,5-trisphosphate dependent Rac exchange factor 1; minus strand). Cytogenetic location: 20q13.13.
Variant type: single nucleotide variant.
Coding change: c.2773A>G on transcript NM_020820.4 (MANE Select); coding-DNA position 2773, A replaced by G.
Protein change: p.Thr925Ala; replaces threonine 925 with alanine.
Molecular consequence: missense variant.
Genome position (GRCh38, 1-based): chr20:48,650,938, T>C on the plus strand (A>G on the coding strand, the complement: PREX1 is on the minus strand). VCF-style: chr20-48650938-T-C. GRCh37 (hg19) VCF-style: chr20-47267476-T-C.
Other names: short protein forms T925A.
Identifiers: ClinVar variation 4982587 (VCV004982587.1).
Genomic context (GRCh38, chr20:48,650,938, plus strand): 5'-GGGAGCACGCAGGCACCTCCTGGTAGCAGGCAATCCTCTGGCCAATGCTCTCCAGCTTGG[T>C]GTCACAGATGTTGCGGAACTCAAAGTGGGGCATGGTCACGATGGCGCTGCTCAGGGCCAT-3'
Protein context (NP_065871.3, residues 915-935): PHFEFRNICD[Thr925Ala]KLESIGQRIA